The following is an entry in ClinVar:

NM_007294.4(BRCA1):c.4955T>A (p.Met1652Lys)

Gene: BRCA1 (BRCA1 DNA repair associated; minus strand). Cytogenetic location: 17q21.31.
Variant type: single nucleotide variant.
Coding change: c.4955T>A on transcript NM_007294.4 (MANE Select); coding-DNA position 4955, T replaced by A.
Protein change: p.Met1652Lys; replaces methionine 1652 with lysine.
Molecular consequence: missense variant. On other transcripts: non-coding transcript variant (1).
Genome position (GRCh38, 1-based): chr17:43,070,959, A>T on the plus strand (T>A on the coding strand, the complement: BRCA1 is on the minus strand). VCF-style: chr17-43070959-A-T. GRCh37 (hg19) VCF-style: chr17-41222976-A-T.
Other names: c.4742T>A, p.Met1581Lys (NM_001407571.1, NM_001407895.1, NM_001407896.1 and 12 more transcripts); c.5021T>A, p.Met1674Lys (NM_001407581.1, NM_001407582.1); c.5018T>A, p.Met1673Lys (NM_001407583.1, NM_001407585.1, NM_001407587.1 and 1 more transcripts); c.5015T>A, p.Met1672Lys (NM_001407590.1, NM_001407591.1); c.4955T>A, p.Met1652Lys (NM_001407593.1, NM_001407594.1, NM_001407596.1 and 8 more transcripts); c.4952T>A, p.Met1651Lys (NM_001407610.1, NM_001407611.1, NM_001407612.1 and 17 more transcripts); c.4949T>A, p.Met1650Lys (NM_001407627.1, NM_001407628.1, NM_001407629.1 and 14 more transcripts); c.4946T>A, p.Met1649Lys (NM_001407644.1, NM_001407645.1); and 70 more; short protein forms M1652K, M1673K, M1605K, M548K, M1355K, M1498K, M1523K, M1583K.
Identifiers: ClinVar variation 188415 (VCV000188415.9), dbSNP rs80356968, ClinGen allele CA003101.

ClinVar aggregate classification (germline): Uncertain significance. Review status: criteria provided, multiple submitters, no conflicts (2 of 4 stars). 2 submissions from 2 submitters: Uncertain significance (2). Last evaluated 2023-09-29.

Conditions:
Hereditary breast ovarian cancer syndrome. Also called: Hereditary breast and ovarian cancer syndrome; Hereditary breast and ovarian cancer syndrome (HBOC); BRCA1- and BRCA2-Associated Hereditary Breast and Ovarian Cancer; Breast and ovarian cancer; Hereditary breast and ovarian cancer; Hereditary breast and/or ovarian cancer syndrome. Identifiers: Orphanet 145, MedGen C0677776, MeSH D061325, MONDO:0003582. Disease mechanism: loss of function.
Breast and/or ovarian cancer. Identifiers: MedGen CN221562.

Submissions (3):

Labcorp Genetics (formerly Invitae), Labcorp
Classification: Uncertain significance for Hereditary breast ovarian cancer syndrome. Last evaluated: 2023-09-29. Review status: criteria provided, single submitter. Criteria: Invitae Variant Classification Sherloc (09022015). Collection method: clinical testing. Allele origin: germline.
Comment: Experimental studies have shown that this missense change affects BRCA1 function (PMID: 28781887, 30765603). In summary, the available evidence is currently insufficient to determine the role of this variant in disease. Therefore, it has been classified as a Variant of Uncertain Significance. This sequence change replaces methionine, which is neutral and non-polar, with lysine, which is basic and polar, at codon 1652 of the BRCA1 protein (p.Met1652Lys). This variant is not present in population databases (gnomAD no frequency). This variant has not been reported in the literature in individuals affected with BRCA1-related conditions. ClinVar contains an entry for this variant (Variation ID: 188415). Advanced modeling performed at Invitae incorporating data from internal and/or published experimental studies (PMID: 30209399) indicates that this missense variant is expected to disrupt BRCA1 function.

CHEO Genetics Diagnostic Laboratory, Children's Hospital of Eastern Ontario
Classification: Uncertain significance for Breast and/or ovarian cancer. Last evaluated: 2015-12-08. Review status: criteria provided, single submitter. Criteria: ACMG Guidelines, 2015. Collection method: clinical testing. Allele origin: germline. Study: Canadian Open Genetics Repository.

Brotman Baty Institute, University of Washington
No classification provided (evidence only). Condition: Breast-ovarian cancer, familial 1. Review status: no classification provided. Collection method: in vitro. Allele origin: not applicable. Functional consequence: functionally_abnormal. Not counted in ClinVar's aggregate classification.
ClinVar note: "not provided" was previously submitted as the classification for the variant. However, the classification appeared to be based only on an observation of functional data so it was converted to no classification on 2025-07-30.

Literature cited by the submitters: PubMed 28781887 (cited by Labcorp Genetics (formerly Invitae), Labcorp); PubMed 30765603 (cited by Labcorp Genetics (formerly Invitae), Labcorp); PubMed 30209399 (cited by Labcorp Genetics (formerly Invitae), Labcorp).